The following is an entry in ClinVar:

ClinVar aggregate classification (germline): Uncertain significance (1 of 4 stars; one submission).

Conditions:
Perlman syndrome (PRLMNS). Identifiers: Orphanet 2849, MedGen C0796113, MONDO:0009965, OMIM 267000.

Submission:

Labcorp Genetics (formerly Invitae), Labcorp
Classification: Uncertain significance for Perlman syndrome. Last evaluated: 2025-04-21. Review status: criteria provided, single submitter. Criteria: Invitae Variant Classification Sherloc (09022015). Collection method: clinical testing. Allele origin: germline.
Comment: This sequence change replaces lysine, which is basic and polar, with glutamine, which is neutral and polar, at codon 257 of the DIS3L2 protein (p.Lys257Gln). This variant is not present in population databases (gnomAD no frequency). This variant has not been reported in the literature in individuals affected with DIS3L2-related conditions. ClinVar contains an entry for this variant (Variation ID: 1489073). An algorithm developed to predict the effect of missense changes on protein structure and function (PolyPhen-2) suggests that this variant is likely to be disruptive. In summary, the available evidence is currently insufficient to determine the role of this variant in disease. Therefore, it has been classified as a Variant of Uncertain Significance.

NM_152383.5(DIS3L2):c.769A>C (p.Lys257Gln)

Gene: DIS3L2 (DIS3 like 3'-5' exoribonuclease 2; plus strand). Cytogenetic location: 2q37.1.
Variant type: single nucleotide variant.
Coding change: c.769A>C on transcript NM_152383.5 (MANE Select); coding-DNA position 769, A replaced by C.
Protein change: p.Lys257Gln; replaces lysine 257 with glutamine.
Molecular consequence: missense variant. On other transcripts: non-coding transcript variant (1).
Genome position (GRCh38, 1-based): chr2:232,136,538, A>C. VCF-style: chr2-232136538-A-C. GRCh37 (hg19) VCF-style: chr2-233001248-A-C.
Other names: c.769A>C, p.Lys257Gln (NM_001257281.2); short protein forms K257Q.
Identifiers: ClinVar variation 1489073 (VCV001489073.8), dbSNP rs1394226145, ClinGen allele CA351153546.
Genomic context (GRCh38, chr2:232,136,538, plus strand): 5'-TACATCTTGGAGAAAAAACATTCTCGAGCAGCAACCGGCTTCCTCAAACTCTTGGCTGAT[A>C]AGAACAGCGAACTGTTTAGGAAATACGCCCTGTTTTCTCCCTCAGACCACCGAGTGCCTA-3'
Protein context (NP_689596.4, residues 247-267): ATGFLKLLAD[Lys257Gln]NSELFRKYAL